The following is an entry in ClinVar:

ClinVar aggregate classification (germline): Pathogenic/Likely pathogenic. Review status: criteria provided, multiple submitters, no conflicts (2 of 4 stars). 4 submissions from 4 submitters: Pathogenic (1); Likely pathogenic (3). Last evaluated 2025-12-27.

Conditions:
Glutathione synthetase deficiency without 5-oxoprolinuria. Also called: ANEMIA, CONGENITAL, NONSPHEROCYTIC HEMOLYTIC, 6. Identifiers: Orphanet 289849, Orphanet 32, MedGen C1856399, MONDO:0009284, OMIM 231900.
Glutathione synthetase deficiency with 5-oxoprolinuria. Also called: PYROGLUTAMIC ACIDURIA; 5-Oxoprolinuria; Gluthathione synthetase deficiency; 5-OXOPROLINURIA DUE TO GLUTATHIONE SYNTHETASE DEFICIENCY; Reduced glutathione synthetase level. Identifiers: Orphanet 289846, MedGen C0398746, MONDO:0009947, OMIM 266130, HP:0003343.

Submissions (4):

Labcorp Genetics (formerly Invitae), Labcorp
Classification: Pathogenic for Glutathione synthetase deficiency with 5-oxoprolinuria. Last evaluated: 2025-12-27. Review status: criteria provided, single submitter. Criteria: Invitae Variant Classification Sherloc (09022015). Collection method: clinical testing. Allele origin: germline.
Comment: This sequence change creates a premature translational stop signal (p.Ile192Leufs*17) in the GSS gene. It is expected to result in an absent or disrupted protein product. Loss-of-function variants in GSS are known to be pathogenic (PMID: 12638941, 15717202). This variant is present in population databases (rs757968278, gnomAD 0.0009%). This variant has not been reported in the literature in individuals affected with GSS-related conditions. ClinVar contains an entry for this variant (Variation ID: 2497893). For these reasons, this variant has been classified as Pathogenic.

Revvity Omics, Revvity
Classification: Likely pathogenic. Last evaluated: 2024-07-22. Review status: criteria provided, single submitter. Criteria: ACMG Guidelines, 2015. Collection method: clinical testing. Allele origin: germline.

Fulgent Genetics
Classification: Likely pathogenic for Glutathione synthetase deficiency without 5-oxoprolinuria; Glutathione synthetase deficiency with 5-oxoprolinuria. Last evaluated: 2024-05-12. Review status: criteria provided, single submitter. Criteria: ACMG Guidelines, 2015. Collection method: clinical testing. Allele origin: germline.

GeneDx
Classification: Likely pathogenic. Last evaluated: 2023-04-10. Review status: criteria provided, single submitter. Criteria: GeneDx Variant Classification Process June 2021. Collection method: clinical testing. Allele origin: germline. Affected: yes.
Comment: Frameshift variant predicted to result in protein truncation or nonsense mediated decay in a gene for which loss of function is a known mechanism of disease; Not observed at significant frequency in large population cohorts (gnomAD); Has not been previously published as pathogenic or benign to our knowledge

Literature cited by the submitters: PubMed 12638941 (cited by Labcorp Genetics (formerly Invitae), Labcorp); PubMed 15717202 (cited by Labcorp Genetics (formerly Invitae), Labcorp).

NM_000178.4(GSS):c.574del (p.Ile192fs)

Gene: GSS (glutathione synthetase; minus strand). Cytogenetic location: 20q11.22.
Variant type: Deletion.
Coding change: c.574del on transcript NM_000178.4 (MANE Select); coding-DNA position 574, one base deleted (A; older notation c.574delA).
Protein change: p.Ile192fs; shifts the reading frame from isoleucine 192.
Molecular consequence: frameshift variant.
Genome position (GRCh38, 1-based): chr20:34,941,747, T deleted on the plus strand (A on the coding strand, the reverse complement: GSS is on the minus strand); the first of 2 consecutive T bases (chr20:34,941,747-34,941,748); deleting either gives the same sequence. VCF-style (leftmost placement, unchanged base first): chr20-34941746-AT-A. GRCh37 (hg19) VCF-style: chr20-33529549-AT-A.
Other names: c.574del, p.Ile192fs (NM_001322494.1, NM_001322495.1); short protein forms I192fs.
Identifiers: ClinVar variation 2497893 (VCV002497893.6), dbSNP rs757968278, ClinGen allele CA9826046.